The following is an entry in ClinVar:

ClinVar aggregate classification (germline): Uncertain significance (1 of 4 stars; one submission).

gnomAD v4.1: 5 of 1,610,710 alleles (0.00031%); highest among the groups gnomAD compares: East Asian, 0.0089%; no homozygotes.

Submission:

Ambry Genetics
Classification: Uncertain significance. Last evaluated: 2024-11-23. Review status: criteria provided, single submitter. Criteria: Ambry Variant Classification Scheme 2023. Collection method: clinical testing. Allele origin: germline.
Comment: The p.A108V variant (also known as c.323C>T), located in coding exon 1 of the MC1R gene, results from a C to T substitution at nucleotide position 323. The alanine at codon 108 is replaced by valine, an amino acid with similar properties. This amino acid position is conserved. In addition, this alteration is predicted to be tolerated by in silico analysis. Based on the available evidence, the clinical significance of this variant remains unclear.

NM_002386.4(MC1R):c.323C>T (p.Ala108Val)

Gene: MC1R (melanocortin 1 receptor; plus strand). Cytogenetic location: 16q24.3.
Variant type: single nucleotide variant.
Coding change: c.323C>T on transcript NM_002386.4 (MANE Select); coding-DNA position 323, C replaced by T.
Protein change: p.Ala108Val; replaces alanine 108 with valine.
Molecular consequence: missense variant.
Genome position (GRCh38, 1-based): chr16:89,919,581, C>T. VCF-style: chr16-89919581-C-T. GRCh37 (hg19) VCF-style: chr16-89985989-C-T.
Other names: short protein forms A108V.
Identifiers: ClinVar variation 3543961 (VCV003543961.1).